The following is an entry in ClinVar:

NM_015047.3(EMC1):c.1966C>T (p.Arg656Trp)

Genes: EMC1-AS1 (EMC1 antisense RNA 1; plus strand), EMC1 (ER membrane protein complex subunit 1; minus strand). Cytogenetic location: 1p36.13.
Variant type: single nucleotide variant.
Coding change: c.1966C>T on transcript NM_015047.3 (MANE Select); coding-DNA position 1966, C replaced by T.
Protein change: p.Arg656Trp; replaces arginine 656 with tryptophan.
Molecular consequence: missense variant.
Genome position (GRCh38, 1-based): chr1:19,230,942, G>A on the plus strand (C>T on the coding strand, the complement: EMC1 is on the minus strand). VCF-style: chr1-19230942-G-A. GRCh37 (hg19) VCF-style: chr1-19557436-G-A.
Other names: c.1963C>T, p.Arg655Trp (NM_001271427.2, NM_001271428.2); c.1900C>T, p.Arg634Trp (NM_001271429.2); c.1975C>T, p.Arg659Trp (NM_001375820.1); c.1972C>T, p.Arg658Trp (NM_001375821.1); short protein forms R634W, R656W, R659W, R655W, R658W.
Identifiers: ClinVar variation 1497064 (VCV001497064.8), dbSNP rs755215386, ClinGen allele CA652441.
Genomic context (GRCh38, chr1:19,230,942, plus strand): 5'-CATCCACCAAATAGAAGAAGATGGAAGGGGCAAGCTCATGTAGCTGTCGCAAGACATTCC[G>A]AGTGGCTGGAAAAGCTGTGACCTTGAAAAACCCAGAGAGCCCAAGGAAAGAGTTAGGAAA-3'
Protein context (NP_055862.1, residues 646-666): EYKVTAFPAT[Arg656Trp]NVLRQLHELA

ClinVar aggregate classification (germline): Uncertain significance (1 of 4 stars; one submission).

Allele frequency attached by ClinVar (database versions not stated): TOPMed 0.00003; gnomAD 0.00004; ExAC 0.00005.
gnomAD v4.1: 101 of 1,614,038 alleles (0.0063%); highest among the groups gnomAD compares: Non-Finnish European, 0.0073%; no homozygotes.

Submission:

Labcorp Genetics (formerly Invitae), Labcorp
Classification: Uncertain significance. Last evaluated: 2026-01-19. Review status: criteria provided, single submitter. Criteria: Invitae Variant Classification Sherloc (09022015). Collection method: clinical testing. Allele origin: germline.
Comment: This sequence change replaces arginine, which is basic and polar, with tryptophan, which is neutral and slightly polar, at codon 656 of the EMC1 protein (p.Arg656Trp). This variant is present in population databases (rs755215386, gnomAD 0.009%). This variant has not been reported in the literature in individuals affected with EMC1-related conditions. ClinVar contains an entry for this variant (Variation ID: 1497064). Invitae Evidence Modeling of protein sequence and biophysical properties (such as structural, functional, and spatial information, amino acid conservation, physicochemical variation, residue mobility, and thermodynamic stability) indicates that this missense variant is not expected to disrupt EMC1 protein function with a negative predictive value of 80%. In summary, the available evidence is currently insufficient to determine the role of this variant in disease. Therefore, it has been classified as a Variant of Uncertain Significance.